The following is an entry in ClinVar:

NM_016011.5(MECR):c.46C>T (p.Gln16Ter)

Gene: MECR (mitochondrial trans-2-enoyl-CoA reductase; minus strand). Cytogenetic location: 1p35.3.
Variant type: single nucleotide variant.
Coding change: c.46C>T on transcript NM_016011.5 (MANE Select); coding-DNA position 46, C replaced by T.
Protein change: p.Gln16Ter; replaces glutamine 16 with a stop codon.
Molecular consequence: nonsense. On other transcripts: 5 prime UTR variant (6), non-coding transcript variant (4).
Genome position (GRCh38, 1-based): chr1:29,230,861, G>A on the plus strand (C>T on the coding strand, the complement: MECR is on the minus strand). VCF-style: chr1-29230861-G-A. GRCh37 (hg19) VCF-style: chr1-29557373-G-A.
Other names: c.-310C>T (NM_001024732.4); c.-514C>T (NM_001349711.2); c.-515C>T (NM_001349712.2); c.-392C>T (NM_001349713.2); c.-304C>T (NM_001349714.2); c.46C>T, p.Gln16Ter (NM_001349715.2, NM_001349716.2); c.-97C>T (NM_001349717.2); short protein forms Q16*.
Identifiers: ClinVar variation 2717811 (VCV002717811.3), dbSNP rs368541093, ClinGen allele CA725924.

ClinVar aggregate classification (germline): Pathogenic (1 of 4 stars; one submission).

Allele frequency attached by ClinVar (database versions not stated): gnomAD 0.00001; gnomAD exomes 0.00001; TOPMed 0.00001; ExAC 0.00002; ESP Exome Variant Server 0.00008.
gnomAD v4.1: 11 of 1,607,100 alleles (0.00068%); highest among the groups gnomAD compares: East Asian, 0.0045%; no homozygotes.

Submission:

Labcorp Genetics (formerly Invitae), Labcorp
Classification: Pathogenic. Last evaluated: 2023-09-27. Review status: criteria provided, single submitter. Criteria: Invitae Variant Classification Sherloc (09022015). Collection method: clinical testing. Allele origin: germline.
Comment: For these reasons, this variant has been classified as Pathogenic. This variant has not been reported in the literature in individuals affected with MECR-related conditions. This variant is present in population databases (rs368541093, gnomAD 0.006%). This sequence change creates a premature translational stop signal (p.Gln16*) in the MECR gene. It is expected to result in an absent or disrupted protein product. Loss-of-function variants in MECR are known to be pathogenic (PMID: 27817865).

Literature cited by the submitters: PubMed 27817865.